The following is an entry in ClinVar:

NM_006361.6(HOXB13):c.255C>G (p.Gly85=)

Gene: HOXB13 (homeobox B13; minus strand). Cytogenetic location: 17q21.32.
Variant type: single nucleotide variant.
Coding change: c.255C>G on transcript NM_006361.6 (MANE Select); coding-DNA position 255, C replaced by G.
Protein change: p.Gly85=; no amino-acid change (glycine 85 retained).
Molecular consequence: synonymous variant.
Genome position (GRCh38, 1-based): chr17:48,728,339, G>C on the plus strand (C>G on the coding strand, the complement: HOXB13 is on the minus strand). VCF-style: chr17-48728339-G-C. GRCh37 (hg19) VCF-style: chr17-46805701-G-C.
Identifiers: ClinVar variation 690671 (VCV000690671.3), dbSNP rs1597934651, ClinGen allele CA500661986.

ClinVar aggregate classification (germline): Benign. Review status: criteria provided, single submitter (1 of 4 stars). 2 submissions from 2 submitters: Benign (1). 1 of the submissions does not count toward it. Last evaluated 2024-10-29.

Conditions:
Prostate cancer, hereditary, 1 (HPC1). Identifiers: Orphanet 1331, MedGen C4722327, MONDO:0011098, OMIM 601518.
Prostate cancer, hereditary, 9 (HPC9). Identifiers: Orphanet 1331, MedGen C1970250, MONDO:0012597, OMIM 610997.

Submissions (2):

Myriad Genetics, Inc.
Classification: Benign for Prostate cancer, hereditary, 9. Last evaluated: 2024-10-29. Review status: criteria provided, single submitter. Criteria: Myriad Autosomal Dominant, Autosomal Recessive and X-Linked Classification Criteria (2023). Collection method: clinical testing. Allele origin: unknown.
Comment: This variant is considered benign. This variant is a silent/synonymous amino acid change and it is not expected to impact splicing.

Laboratory of Virology, Microbiology,  Quality and Medical Biotechnologies, Faculty of Sciences and Techniques - Mohammedia, Hassan II University of Casablanca
Classification: Uncertain significance for Prostate cancer, hereditary, 1. Review status: no assertion criteria provided. Collection method: clinical testing. Allele origin: somatic. Affected: yes. Not counted in ClinVar's aggregate classification.